The following is an entry in ClinVar:

ClinVar aggregate classification (germline): Uncertain significance (1 of 4 stars; one submission).

Conditions:
Inborn genetic diseases. Identifiers: MedGen C0950123, MeSH D030342.

Submission:

Ambry Genetics
Classification: Uncertain significance for Inborn genetic diseases. Last evaluated: 2025-08-07. Review status: criteria provided, single submitter. Criteria: Ambry Variant Classification Scheme 2023. Collection method: clinical testing. Allele origin: germline.
Comment: The p.C1105S variant (also known as c.3313T>A), located in coding exon 33 of the FANCA gene, results from a T to A substitution at nucleotide position 3313. The cysteine at codon 1105 is replaced by serine, an amino acid with dissimilar properties. This amino acid position is conserved. In addition, this alteration is predicted to be deleterious by in silico analysis. Based on the available evidence, the clinical significance of this variant remains unclear.

NM_000135.4(FANCA):c.3313T>A (p.Cys1105Ser)

Gene: FANCA (FA complementation group A; minus strand). Cytogenetic location: 16q24.3.
Variant type: single nucleotide variant.
Coding change: c.3313T>A on transcript NM_000135.4 (MANE Select); coding-DNA position 3313, T replaced by A.
Protein change: p.Cys1105Ser; replaces cysteine 1105 with serine.
Molecular consequence: missense variant.
Genome position (GRCh38, 1-based): chr16:89,748,694, A>T on the plus strand (T>A on the coding strand, the complement: FANCA is on the minus strand). VCF-style: chr16-89748694-A-T. GRCh37 (hg19) VCF-style: chr16-89815102-A-T.
Other names: c.3313T>A, p.Cys1105Ser (NM_001286167.3); short protein forms C1105S.
Identifiers: ClinVar variation 4254267 (VCV004254267.1).